The following is an entry in ClinVar:

NM_053025.4(MYLK):c.727T>C (p.Ser243Pro)

Gene: MYLK (myosin light chain kinase; minus strand). Cytogenetic location: 3q21.1.
Variant type: single nucleotide variant.
Coding change: c.727T>C on transcript NM_053025.4 (MANE Select); coding-DNA position 727, T replaced by C.
Protein change: p.Ser243Pro; replaces serine 243 with proline.
Molecular consequence: missense variant.
Genome position (GRCh38, 1-based): chr3:123,737,405, A>G on the plus strand (T>C on the coding strand, the complement: MYLK is on the minus strand). VCF-style: chr3-123737405-A-G. GRCh37 (hg19) VCF-style: chr3-123456252-A-G.
Other names: c.199T>C, p.Ser67Pro (NM_001321309.2); c.727T>C, p.Ser243Pro (NM_053026.4, NM_053027.4, NM_053028.4); short protein forms S243P, S67P.
Identifiers: ClinVar variation 3228930 (VCV003228930.3), dbSNP rs1576794471, ClinGen allele CA354240614.
Genomic context (GRCh38, chr3:123,737,405, plus strand): 5'-ATCGTTCTGCACTAGCCGTCCACTGGTCGATACCTTGGATGGAAAGTTCAGCTGACATCG[A>G]GGCCTTCCCCGACCCGTTCACCACCAGGCACGTGTACACTCCCACGTCATCTTGGTTGAC-3'
Protein context (NP_444253.3, residues 233-253): CLVVNGSGKA[Ser243Pro]MSAELSIQGL

ClinVar aggregate classification (germline): Uncertain significance. Review status: criteria provided, multiple submitters, no conflicts (2 of 4 stars). 2 submissions from 2 submitters: Uncertain significance (2). Last evaluated 2026-02-06.

Conditions:
Familial thoracic aortic aneurysm and aortic dissection (TAAD). Also called: Thoracic aortic aneurysms and dissections. Identifiers: Orphanet 91387, MedGen C4707243, MONDO:0019625.

Allele frequency attached by ClinVar (database versions not stated): gnomAD 0.00001.
gnomAD v4.1: 1 of 1,614,136 alleles (0.000062%); highest among the groups gnomAD compares: East Asian, 0.0022%; no homozygotes.

Submissions (2):

GeneDx
Classification: Uncertain significance. Last evaluated: 2026-02-06. Review status: criteria provided, single submitter. Criteria: GeneDx Variant Classification Process June 2021. Collection method: clinical testing. Allele origin: germline. Affected: yes.
Comment: Not observed at significant frequency in large population cohorts (gnomAD); In silico analysis suggests that this missense variant does not alter protein structure/function; Has not been previously published as pathogenic or benign to our knowledge

Ambry Genetics
Classification: Uncertain significance for Familial thoracic aortic aneurysm and aortic dissection. Last evaluated: 2024-02-01. Review status: criteria provided, single submitter. Criteria: Ambry Variant Classification Scheme 2023. Collection method: clinical testing. Allele origin: germline.
Comment: The p.S243P variant (also known as c.727T>C), located in coding exon 5 of the MYLK gene, results from a T to C substitution at nucleotide position 727. The serine at codon 243 is replaced by proline, an amino acid with similar properties. This amino acid position is conserved. In addition, the in silico prediction for this alteration is inconclusive. Based on the available evidence, the clinical significance of this alteration remains unclear.